The following is an entry in ClinVar:

ClinVar aggregate classification (germline): Uncertain significance (1 of 4 stars; one submission).

Submission:

Ambry Genetics
Classification: Uncertain significance. Last evaluated: 2026-05-23. Review status: criteria provided, single submitter. Criteria: Ambry Variant Classification Scheme 2023. Collection method: clinical testing. Allele origin: germline.
Comment: The p.K247T variant (also known as c.740A>C), located in coding exon 2 of the WNK2 gene, results from an A to C substitution at nucleotide position 740. The lysine at codon 247 is replaced by threonine, an amino acid with similar properties. This amino acid position is conserved. In addition, this alteration is predicted to be deleterious by in silico analysis. Based on the available evidence, the clinical significance of this variant remains unclear.

NM_006648.4(WNK2):c.740A>C (p.Lys247Thr)

Gene: WNK2 (WNK lysine deficient protein kinase 2; plus strand). Cytogenetic location: 9q22.31.
Variant type: single nucleotide variant.
Coding change: c.740A>C on transcript NM_006648.4 (MANE Select); coding-DNA position 740, A replaced by C.
Protein change: p.Lys247Thr; replaces lysine 247 with threonine.
Molecular consequence: missense variant.
Genome position (GRCh38, 1-based): chr9:93,229,754, A>C. VCF-style: chr9-93229754-A-C. GRCh37 (hg19) VCF-style: chr9-95992036-A-C.
Other names: c.740A>C, p.Lys247Thr (NM_001282394.3); short protein forms K247T.
Identifiers: ClinVar variation 4866697 (VCV004866697.1).